The following is an entry in ClinVar:

NM_001130438.3(SPTAN1):c.3787C>A (p.His1263Asn)

Gene: SPTAN1 (spectrin alpha, non-erythrocytic 1; plus strand). Cytogenetic location: 9q34.11.
Variant type: single nucleotide variant.
Coding change: c.3787C>A on transcript NM_001130438.3 (MANE Select); coding-DNA position 3787, C replaced by A.
Protein change: p.His1263Asn; replaces histidine 1263 with asparagine.
Molecular consequence: missense variant.
Genome position (GRCh38, 1-based): chr9:128,605,101, C>A. VCF-style: chr9-128605101-C-A. GRCh37 (hg19) VCF-style: chr9-131367380-C-A.
Other names: c.3727C>A, p.His1243Asn (NM_001195532.2, NM_001363765.2, NM_001375314.2 and 3 more transcripts); c.3787C>A, p.His1263Asn (NM_001363759.2, NM_001375310.1, NM_001375311.2 and 4 more transcripts); c.3823C>A, p.His1275Asn (NM_001375312.2, NM_001375318.1, NM_001438440.1); short protein forms H1243N, H1263N, H1275N.
Identifiers: ClinVar variation 4891021 (VCV004891021.1).
Genomic context (GRCh38, chr9:128,605,101, plus strand): 5'-GATGAAACCAAAGAATGGATTGAAGAGAAGAATCAAGCTCTAAACACAGACAATTATGGA[C>A]ATGATCTCGCCAGTGTCCAGGCCCTGCAACGCAAGCATGAGGGCTTCGAGAGGGACCTTG-3'
Protein context (NP_001123910.1, residues 1253-1273): NQALNTDNYG[His1263Asn]DLASVQALQR

ClinVar aggregate classification (germline): Uncertain significance (1 of 4 stars; one submission).

gnomAD v4.1: 2 of 1,613,890 alleles (0.00012%); highest among the groups gnomAD compares: Non-Finnish European, 0.00017%; no homozygotes.

Submission:

Greenwood Genetic Center Diagnostic Laboratories, Greenwood Genetic Center
Classification: Uncertain significance. Last evaluated: 2026-04-21. Review status: criteria provided, single submitter. Criteria: ACMG Guidelines, 2015. Collection method: clinical testing. Allele origin: germline.
Comment: BP4, PP2